The following is an entry in ClinVar:

ClinVar aggregate classification (germline): Likely pathogenic (1 of 4 stars; one submission).

Conditions:
Autosomal recessive nonsyndromic hearing loss 84B. Also called: Deafness, autosomal recessive 84b. Identifiers: Orphanet 90636, MedGen C3554159, MONDO:0013984, OMIM 614944.

Submission:

Juno Genomics, Hangzhou Juno Genomics, Inc
Classification: Likely pathogenic for Autosomal recessive nonsyndromic hearing loss 84B. Review status: criteria provided, single submitter. Criteria: ACMG Guidelines, 2015. Collection method: clinical testing. Allele origin: germline.
Comment: Null variant in a gene where loss of function (LOF) is a known mechanism of disease.;Absent from controls (or at extremely low frequency if recessive) in Genome Aggregation Database.

NM_001378609.3(OTOGL):c.714_715del (p.Ser239fs)

Gene: OTOGL (otogelin like; plus strand). Cytogenetic location: 12q21.31.
Variant type: Microsatellite.
Coding change: c.714_715del on transcript NM_001378609.3 (MANE Select); coding-DNA positions 714 to 715, 2 bases deleted (AT; older notation c.714_715delAT).
Protein change: p.Ser239fs; shifts the reading frame from serine 239.
Molecular consequence: frameshift variant.
Genome position (GRCh38, 1-based): chr12:80,232,994-80,232,995, AT deleted; deleting any 2 consecutive bases within chr12:80,232,992-80,232,995 gives the same sequence; the c. name uses the placement nearest the transcript's 3' end. VCF-style (leftmost placement, unchanged base first): chr12-80232991-GAT-G. GRCh37 (hg19) VCF-style: chr12-80626771-GAT-G.
Other names: c.714_715del, p.Ser239fs (NM_001368062.3, NM_001378610.3, NM_173591.7); short protein forms S239fs.
Identifiers: ClinVar variation 5005161 (VCV005005161.2).